The following is an entry in ClinVar:

NM_000368.5(TSC1):c.642G>T (p.Glu214Asp)

Gene: TSC1 (TSC complex subunit 1; minus strand). Cytogenetic location: 9q34.13.
Variant type: single nucleotide variant.
Coding change: c.642G>T on transcript NM_000368.5 (MANE Select); coding-DNA position 642, G replaced by T.
Protein change: p.Glu214Asp; replaces glutamic acid 214 with aspartic acid.
Molecular consequence: missense variant.
Genome position (GRCh38, 1-based): chr9:132,921,840, C>A on the plus strand (G>T on the coding strand, the complement: TSC1 is on the minus strand). VCF-style: chr9-132921840-C-A. GRCh37 (hg19) VCF-style: chr9-135797227-C-A.
Other names: c.642G>T, p.Glu214Asp (NM_001162426.2); c.489G>T, p.Glu163Asp (NM_001162427.2); c.279G>T, p.Glu93Asp (NM_001362177.2); c.642G>T (NM_000368.4); short protein forms E214D, E93D, E163D.
Identifiers: ClinVar variation 1478363 (VCV001478363.9), dbSNP rs904190788, ClinGen allele CA375372312.
Genomic context (GRCh38, chr9:132,921,840, plus strand): 5'-GTATACTAAGTAGCAAACAAACAAGCAGTTTCAATTTACCTTGACCACTTCTTCAAAAGT[C>A]TCCAGGTTTTCTTTCATACTGTAATGAGAACGCAAAAAGGAGACGAAGTTGCAAGGGTAC-3'
Protein context (NP_000359.1, residues 204-224): RSHYSMKENL[Glu214Asp]TFEEVVKPMM

ClinVar aggregate classification (germline): Uncertain significance. Review status: criteria provided, multiple submitters, no conflicts (2 of 4 stars). 3 submissions from 3 submitters: Uncertain significance (3). Last evaluated 2026-07-07.

Conditions:
Tuberous sclerosis syndrome (TSC). Also called: Tuberous Sclerosis Complex; Tuberous sclerosis. Identifiers: Orphanet 805, MedGen C0041341, MONDO:0001734.
Hereditary cancer-predisposing syndrome. Also called: Hereditary Cancer Syndrome; Tumor predisposition; Neoplastic Syndromes, Hereditary; Hereditary neoplastic syndrome. Identifiers: Orphanet 140162, MedGen C0027672, MeSH D009386, MONDO:0015356.
Tuberous sclerosis 1 (TSC1). Identifiers: Orphanet 805, MedGen C1854465, MONDO:0008612, OMIM 191100.

Allele frequency attached by ClinVar (database versions not stated): gnomAD exomes below 0.00001.

Submissions (3):

Ambry Genetics
Classification: Uncertain significance for Hereditary cancer-predisposing syndrome. Last evaluated: 2026-07-07. Review status: criteria provided, single submitter. Criteria: Ambry Variant Classification Scheme 2023. Collection method: clinical testing. Allele origin: germline.
Comment: The p.E214D variant (also known as c.642G>T), located in coding exon 5 of the TSC1 gene, results from a G to T substitution at nucleotide position 642. The glutamic acid at codon 214 is replaced by aspartic acid, an amino acid with highly similar properties. This amino acid position is conserved. In addition, the in silico prediction for this alteration is inconclusive. Based on the available evidence, the clinical significance of this variant remains unclear.

Labcorp Genetics (formerly Invitae), Labcorp
Classification: Uncertain significance for Tuberous sclerosis 1. Last evaluated: 2024-08-12. Review status: criteria provided, single submitter. Criteria: Invitae Variant Classification Sherloc (09022015). Collection method: clinical testing. Allele origin: germline.
Comment: This sequence change replaces glutamic acid, which is acidic and polar, with aspartic acid, which is acidic and polar, at codon 214 of the TSC1 protein (p.Glu214Asp). This variant is not present in population databases (gnomAD no frequency). This variant has not been reported in the literature in individuals affected with TSC1-related conditions. ClinVar contains an entry for this variant (Variation ID: 1478363). Advanced modeling of protein sequence and biophysical properties (such as structural, functional, and spatial information, amino acid conservation, physicochemical variation, residue mobility, and thermodynamic stability) performed at Invitae indicates that this missense variant is not expected to disrupt TSC1 protein function with a negative predictive value of 95%. In summary, the available evidence is currently insufficient to determine the role of this variant in disease. Therefore, it has been classified as a Variant of Uncertain Significance.

All of Us Research Program, National Institutes of Health
Classification: Uncertain significance for Tuberous sclerosis syndrome. Last evaluated: 2023-12-18. Review status: criteria provided, single submitter. Criteria: ACMG Guidelines, 2015. Collection method: clinical testing. Allele origin: germline. Inheritance: Autosomal dominant inheritance. Observed: 1 variant allele, 1 heterozygote.
Comment: This missense variant replaces glutamic acid with aspartic acid at codon 214 of the TSC1 protein. Computational prediction suggests that this variant may not impact protein structure and function (internally defined REVEL score threshold <= 0.5, PMID: 27666373). To our knowledge, functional studies have not been reported for this variant. This variant has not been reported in individuals affected with TSC1-related disorders in the literature. This variant has not been identified in the general population by the Genome Aggregation Database (gnomAD). The available evidence is insufficient to determine the role of this variant in disease conclusively. Therefore, this variant is classified as a Variant of Uncertain Significance.

This study involves interpretation of variants in research participants for the purpose of population health screening. Participant phenotype was not available at the time of variant classification. Additional details can be found in publication PMID: 35346344, PMCID: PMC8962531